The following is an entry in ClinVar:

ClinVar aggregate classification (germline): Uncertain significance (1 of 4 stars; one submission).

Submission:

Labcorp Genetics (formerly Invitae), Labcorp
Classification: Uncertain significance. Last evaluated: 2024-12-16. Review status: criteria provided, single submitter. Criteria: Invitae Variant Classification Sherloc (09022015). Collection method: clinical testing. Allele origin: germline.
Comment: This sequence change replaces leucine, which is neutral and non-polar, with valine, which is neutral and non-polar, at codon 1129 of the MYH7B protein (p.Leu1129Val). This variant is not present in population databases (gnomAD no frequency). This variant has not been reported in the literature in individuals affected with MYH7B-related conditions. ClinVar contains an entry for this variant (Variation ID: 1349867). Invitae Evidence Modeling of protein sequence and biophysical properties (such as structural, functional, and spatial information, amino acid conservation, physicochemical variation, residue mobility, and thermodynamic stability) indicates that this missense variant is not expected to disrupt MYH7B protein function with a negative predictive value of 80%. In summary, the available evidence is currently insufficient to determine the role of this variant in disease. Therefore, it has been classified as a Variant of Uncertain Significance.

NM_020884.7(MYH7B):c.3259C>G (p.Leu1087Val)

Gene: MYH7B (myosin heavy chain 7B; plus strand). Cytogenetic location: 20q11.22.
Variant type: single nucleotide variant.
Coding change: c.3259C>G on transcript NM_020884.7 (MANE Select); coding-DNA position 3259, C replaced by G.
Protein change: p.Leu1087Val; replaces leucine 1087 with valine.
Molecular consequence: missense variant.
Genome position (GRCh38, 1-based): chr20:34,996,751, C>G. VCF-style: chr20-34996751-C-G. GRCh37 (hg19) VCF-style: chr20-33584554-C-G.
Other names: short protein forms L1087V.
Identifiers: ClinVar variation 1349867 (VCV001349867.8), dbSNP rs2147230040, ClinGen allele CA408710494.
Genomic context (GRCh38, chr20:34,996,751, plus strand): 5'-AAGCTGACGCAGGAGTCGGTGGCTGATGCTGCTCAAGACAAGCAGCAGCTGGAGGAGAAG[C>G]TCAAGAAGTAGGTGTGGTGGGGCAGCAGGTGGGGGCCTTCTGAGCCTGCACCTGGCCCTT-3'
Protein context (NP_065935.4, residues 1077-1097): AQDKQQLEEK[Leu1087Val]KKKDSELSQL